The following is an entry in ClinVar:

NM_133459.4(CCBE1):c.*4846G>A

Gene: CCBE1 (collagen and calcium binding EGF domains 1; minus strand). Cytogenetic location: 18q21.32.
Variant type: single nucleotide variant.
Coding change: c.*4846G>A on transcript NM_133459.4 (MANE Select); 4846 bases downstream of the stop codon, G replaced by A.
Molecular consequence: 3 prime UTR variant.
Genome position (GRCh38, 1-based): chr18:59,431,062, C>T on the plus strand (G>A on the coding strand, the complement: CCBE1 is on the minus strand). VCF-style: chr18-59431062-C-T. GRCh37 (hg19) VCF-style: chr18-57098294-C-T.
Other names: c.*4846G>A (LRG_1209t1).
Identifiers: ClinVar variation 327585 (VCV000327585.5), dbSNP rs141622451, ClinGen allele CA10641934.

ClinVar aggregate classification (germline): Benign (1 of 4 stars; one submission).

Conditions:
Hennekam lymphangiectasia-lymphedema syndrome 1 (HKLLS1). Also called: LYMPHATIC DYSPLASIA, GENERALIZED. Identifiers: Orphanet 2136, MedGen C4012050, MONDO:0009337, OMIM 235510.

Allele frequency attached by ClinVar (database versions not stated): gnomAD 0.00130 and 0.00175; TOPMed 0.00209; 1000 Genomes Project 30x 0.00890; 1000 Genomes Project 0.00958.

Submission:

Illumina Laboratory Services, Illumina
Classification: Benign for Hennekam lymphangiectasia-lymphedema syndrome 1. Last evaluated: 2018-01-12. Review status: criteria provided, single submitter. Criteria: ICSL Variant Classification Criteria 13 December 2019. Collection method: clinical testing. Allele origin: germline.
Comment: This variant was observed in the ICSL laboratory as part of a predisposition screen in an ostensibly healthy population. It had not been previously curated by ICSL or reported in the Human Gene Mutation Database (HGMD: prior to June 1st, 2018), and was therefore a candidate for classification through an automated scoring system. Utilizing variant allele frequency, disease prevalence and penetrance estimates, and inheritance mode, an automated score was calculated to assess if this variant is too frequent to cause the disease. Based on the score and internal cut-off values, a variant classified as benign is not then subjected to further curation. The score for this variant resulted in a classification of benign for this disease.